The following is an entry in ClinVar:

ClinVar aggregate classification (germline): Uncertain significance. Review status: criteria provided, multiple submitters, no conflicts (2 of 4 stars). 3 submissions from 3 submitters: Uncertain significance (3). Last evaluated 2026-01-12.

Conditions:
Brachydactyly type B1 (BDB1). Identifiers: Orphanet 572385, Orphanet 93383, MedGen C1862112, MONDO:0007220, OMIM 113000.
Autosomal recessive Robinow syndrome (RRS1). Also called: ROR2-Related Robinow Syndrome; ROBINOW SYNDROME, AUTOSOMAL RECESSIVE 1; COSTOVERTEBRAL SEGMENTATION DEFECT WITH MESOMELIA; COVESDEM SYNDROME. Identifiers: Orphanet 1507, Orphanet 97360, MedGen C5399974, MONDO:0009999, OMIM 268310.
Inborn genetic diseases. Identifiers: MedGen C0950123, MeSH D030342.

Allele frequency attached by ClinVar (database versions not stated): gnomAD 0.00001; gnomAD exomes 0.00001; ExAC 0.00002; TOPMed 0.00002; ESP Exome Variant Server 0.00008.
gnomAD v4.1: 30 of 1,613,640 alleles (0.0019%); highest among the groups gnomAD compares: Non-Finnish European, 0.0024%; no homozygotes.

Submissions (3):

Labcorp Genetics (formerly Invitae), Labcorp
Classification: Uncertain significance. Last evaluated: 2026-01-12. Review status: criteria provided, single submitter. Criteria: Invitae Variant Classification Sherloc (09022015). Collection method: clinical testing. Allele origin: germline.
Comment: This sequence change replaces threonine, which is neutral and polar, with asparagine, which is neutral and polar, at codon 501 of the ROR2 protein (p.Thr501Asn). The frequency data for this variant in the population databases is considered unreliable, as metrics indicate poor data quality at this position in the gnomAD database. This variant has not been reported in the literature in individuals affected with ROR2-related conditions. ClinVar contains an entry for this variant (Variation ID: 1512907). Invitae Evidence Modeling of protein sequence and biophysical properties (such as structural, functional, and spatial information, amino acid conservation, physicochemical variation, residue mobility, and thermodynamic stability) indicates that this missense variant is not expected to disrupt ROR2 protein function with a negative predictive value of 80%. In summary, the available evidence is currently insufficient to determine the role of this variant in disease. Therefore, it has been classified as a Variant of Uncertain Significance.

Ambry Genetics
Classification: Uncertain significance for Inborn genetic diseases. Last evaluated: 2025-04-03. Review status: criteria provided, single submitter. Criteria: Ambry Variant Classification Scheme 2023. Collection method: clinical testing. Allele origin: germline.

Fulgent Genetics
Classification: Uncertain significance for Brachydactyly type B1; Autosomal recessive Robinow syndrome. Last evaluated: 2022-01-27. Review status: criteria provided, single submitter. Criteria: ACMG Guidelines, 2015. Collection method: clinical testing. Allele origin: unknown.

NM_004560.4(ROR2):c.1502C>A (p.Thr501Asn)

Gene: ROR2 (receptor tyrosine kinase like orphan receptor 2; minus strand). Cytogenetic location: 9q22.31.
Variant type: single nucleotide variant.
Coding change: c.1502C>A on transcript NM_004560.4 (MANE Select); coding-DNA position 1502, C replaced by A.
Protein change: p.Thr501Asn; replaces threonine 501 with asparagine.
Molecular consequence: missense variant.
Genome position (GRCh38, 1-based): chr9:91,724,992, G>T on the plus strand (C>A on the coding strand, the complement: ROR2 is on the minus strand). VCF-style: chr9-91724992-G-T. GRCh37 (hg19) VCF-style: chr9-94487274-G-T.
Other names: c.1502C>A (NM_004560.3); short protein forms T501N.
Identifiers: ClinVar variation 1512907 (VCV001512907.11), dbSNP rs142047260, ClinGen allele CA5120667.